The following is an entry in ClinVar:

NM_004082.5(DCTN1):c.1585-16C>G

Gene: DCTN1 (dynactin subunit 1; minus strand). Cytogenetic location: 2p13.1.
Variant type: single nucleotide variant.
Coding change: c.1585-16C>G on transcript NM_004082.5 (MANE Select); 16 bases into the intron before coding-DNA position 1585, C replaced by G.
Molecular consequence: intron variant.
Genome position (GRCh38, 1-based): chr2:74,369,230, G>C on the plus strand (C>G on the coding strand, the complement: DCTN1 is on the minus strand). VCF-style: chr2-74369230-G-C. GRCh37 (hg19) VCF-style: chr2-74596357-G-C.
Other names: c.1474-16C>G (NM_001190836.2); c.1516-16C>G (NM_001378992.1); c.1534-16C>G (NM_001378991.1); c.1525-16C>G (NM_001135040.3); c.1564-16C>G (NM_001190837.2); c.1183-16C>G (NM_001135041.3, NM_023019.4).
Identifiers: ClinVar variation 3068578 (VCV003068578.1), dbSNP rs145949389, ClinGen allele CA2573103005.

ClinVar aggregate classification (germline): Uncertain significance (1 of 4 stars; one submission).

Conditions:
Perry syndrome. Also called: PARKINSONISM WITH ALVEOLAR HYPOVENTILATION AND MENTAL DEPRESSION. Identifiers: Orphanet 178509, MedGen C1868594, MONDO:0008201, OMIM 168605.

Submission:

Molecular Genetics, Royal Melbourne Hospital
Classification: Uncertain significance for Perry syndrome. Last evaluated: 2023-03-30. Review status: criteria provided, single submitter. Criteria: ACMG Guidelines, 2015. Collection method: clinical testing. Allele origin: germline.
Comment: This sequence change in DCTN1 is an intronic variant located in intron 14. This variant is absent from gnomAD v2.1 and v3.1. To our knowledge, this variant has not been reported in the literature in any individuals with DCTN1-related disease. The results from multiple in silico splicing predictors (SpliceAI, MaxEntScan, NNSplice) are conflicting for the impact of this variant on the acceptor splice site of intron 14 of DCTN1. Based on the classification scheme RMH Modified ACMG Guidelines v1.5.1, this variant is classified as a VARIANT OF UNCERTAIN SIGNIFICANCE. Following criteria are met: PM2_Supporting.